The following is an entry in ClinVar:

ClinVar aggregate classification (germline): Uncertain significance (1 of 4 stars; one submission).

Conditions:
Cardiovascular phenotype. Identifiers: MedGen CN230736.

Submission:

Ambry Genetics
Classification: Uncertain significance for Cardiovascular phenotype. Last evaluated: 2023-10-04. Review status: criteria provided, single submitter. Criteria: Ambry Variant Classification Scheme 2023. Collection method: clinical testing. Allele origin: germline.
Comment: The c.1325_1326insGCAGCG (p.R442_G443insQR) alteration, located in exon 9 (coding exon 8) of the TBX1 gene, results from an in-frame insertion of 6 nucleotides between positions c.1325 to c.1326. This results in the insertion of 2 amino acids between codons 442 and 443. This variant was not reported in population-based cohorts in the Genome Aggregation Database (gnomAD). This alteration is predicted to be neutral by in silico analysis (Choi, 2012). Based on insufficient or conflicting evidence, the clinical significance of this alteration remains unclear.

NM_001379200.1(TBX1):c.1352_1353insGCAGCG (p.Arg451_Gly452insGlnArg)

Gene: TBX1 (T-box transcription factor 1; plus strand). Cytogenetic location: 22q11.21.
Variant type: Insertion.
Coding change: c.1352_1353insGCAGCG on transcript NM_001379200.1 (MANE Select); coding-DNA positions 1352 to 1353, GCAGCG inserted.
Protein change: p.Arg451_Gly452insGlnArg.
Molecular consequence: inframe insertion. On other transcripts: intron variant (2).
Genome position: GRCh38 VCF-style: chr22-19766701-T-TGCGGCA. GRCh37 (hg19) VCF-style: chr22-19754224-T-TGCGGCA.
Other names: c.1325_1326insGCAGCG, p.Arg442_Gly443insGlnArg (NM_080647.1); c.1009+702_1009+703insGCAGCG (NM_005992.1, NM_080646.2).
Identifiers: ClinVar variation 3174917 (VCV003174917.1), dbSNP rs1936864924, ClinGen allele CA2396032475.
Genomic context (GRCh38, chr22:19,766,701, plus strand): 5'-CCGCCTACGACCACTATCTCGGGGCCAAGAGCCGGCCGGCGCCCTACCCGCTGCCCGGCC[T>TGCGGCA]GCGTGGCCACGGCTACCACCCGCACGCGCATCCGCACCACCACCACCACCCCGTGAGTCC-3'